The following is an entry in ClinVar:

ClinVar aggregate classification (germline): Uncertain significance (1 of 4 stars; one submission).

Conditions:
Acute myeloid leukemia (AML). Also called: Acute myeloid leukemia, adult; AML adult; Acute non-lymphocytic leukemia; Acute granulocytic leukemia; Leukemia, acute myeloid, somatic; Leukemia, acute myelogenous, somatic. Identifiers: Orphanet 519, MedGen C0023467, MeSH D015470, MONDO:0018874, OMIM 601626, HP:0004808. Disease mechanism: Constitutively activated FLT3.

Submission:

Labcorp Genetics (formerly Invitae), Labcorp
Classification: Uncertain significance for Acute myeloid leukemia. Last evaluated: 2023-04-01. Review status: criteria provided, single submitter. Criteria: Invitae Variant Classification Sherloc (09022015). Collection method: clinical testing. Allele origin: germline.
Comment: This sequence change replaces methionine, which is neutral and non-polar, with lysine, which is basic and polar, at codon 15 of the CEBPA protein (p.Met15Lys). This variant is not present in population databases (gnomAD no frequency). This variant has not been reported in the literature in individuals affected with CEBPA-related conditions. Advanced modeling of protein sequence and biophysical properties (such as structural, functional, and spatial information, amino acid conservation, physicochemical variation, residue mobility, and thermodynamic stability) performed at Invitae indicates that this missense variant is not expected to disrupt CEBPA protein function. In summary, the available evidence is currently insufficient to determine the role of this variant in disease. Therefore, it has been classified as a Variant of Uncertain Significance.

NM_004364.5(CEBPA):c.44T>A (p.Met15Lys)

Genes: CEBPA (CCAAT enhancer binding protein alpha; minus strand), LOC130064183 (ATAC-STARR-seq lymphoblastoid silent region 10495; plus strand). Cytogenetic location: 19q13.11.
Variant type: single nucleotide variant.
Coding change: c.44T>A on transcript NM_004364.5 (MANE Select); coding-DNA position 44, T replaced by A.
Protein change: p.Met15Lys; replaces methionine 15 with lysine.
Molecular consequence: missense variant. On other transcripts: 5 prime UTR variant (1), initiator codon variant (1).
Genome position (GRCh38, 1-based): chr19:33,302,371, A>T on the plus strand (T>A on the coding strand, the complement: CEBPA is on the minus strand). VCF-style: chr19-33302371-A-T. GRCh37 (hg19) VCF-style: chr19-33793277-A-T.
Other names: c.-314T>A (NM_001285829.2); c.149T>A, p.Met50Lys (NM_001287424.2); c.2T>A, p.Met1Lys (NM_001287435.2); short protein forms M15K, M50K, M1K.
Identifiers: ClinVar variation 2851337 (VCV002851337.3), dbSNP rs1600024585, ClinGen allele CA405275799.
Genomic context (GRCh38, chr19:33,302,371, plus strand): 5'-CGGGGAAAGCCGAAGGCGGCGCTGCTGGGCGCGTGCGGGGGGCTCTGCAGGTGGCTGCTC[A>T]TCGGGGGCCGCGGCTCCGCCTCGTAGAAGTCGGCCGACTCCATGGGGGAGTTAGAGTTCT-3'
Protein context (NP_004355.2, residues 5-25): DFYEAEPRPP[Met15Lys]SSHLQSPPHA